The following is an entry in ClinVar:

NM_001387430.1(SH2B1):c.526G>A (p.Val176Ile)

Gene: SH2B1 (SH2B adaptor protein 1; plus strand). Cytogenetic location: 16p11.2.
Variant type: single nucleotide variant.
Coding change: c.526G>A on transcript NM_001387430.1 (MANE Select); coding-DNA position 526, G replaced by A.
Protein change: p.Val176Ile; replaces valine 176 with isoleucine.
Molecular consequence: missense variant. On other transcripts: intron variant (1).
Genome position (GRCh38, 1-based): chr16:28,866,620, G>A. VCF-style: chr16-28866620-G-A. GRCh37 (hg19) VCF-style: chr16-28877941-G-A.
Other names: c.526G>A, p.Val176Ile (NM_015503.3, NM_001145812.2, NM_001308293.2 and 4 more transcripts); c.-26-754G>A (NM_001308294.2); short protein forms V176I.
Identifiers: ClinVar variation 3350174 (VCV003350174.4).

ClinVar aggregate classification (germline): Uncertain significance. Review status: criteria provided, multiple submitters, no conflicts (2 of 4 stars). 3 submissions from 3 submitters: Uncertain significance (2). 1 of the submissions does not count toward it. Last evaluated 2025-08-22.

Conditions:
SH2B1-related disorder. Also called: SH2B1-related condition.

gnomAD v4.1: 26 of 1,613,658 alleles (0.0016%); highest among the groups gnomAD compares: African/African-American, 0.0053%; 1 homozygote.

Submissions (3):

Ambry Genetics
Classification: Uncertain significance. Last evaluated: 2025-08-22. Review status: criteria provided, single submitter. Criteria: Ambry Variant Classification Scheme 2023. Collection method: clinical testing. Allele origin: germline.

Labcorp Genetics (formerly Invitae), Labcorp
Classification: Uncertain significance. Last evaluated: 2024-12-31. Review status: criteria provided, single submitter. Criteria: Invitae Variant Classification Sherloc (09022015). Collection method: clinical testing. Allele origin: germline.
Comment: This sequence change replaces valine, which is neutral and non-polar, with isoleucine, which is neutral and non-polar, at codon 176 of the SH2B1 protein (p.Val176Ile). This variant is present in population databases (rs138441301, gnomAD 0.01%). This variant has not been reported in the literature in individuals affected with SH2B1-related conditions. An algorithm developed to predict the effect of missense changes on protein structure and function (PolyPhen-2) suggests that this variant is likely to be tolerated. In summary, the available evidence is currently insufficient to determine the role of this variant in disease. Therefore, it has been classified as a Variant of Uncertain Significance.

PreventionGenetics, part of Exact Sciences
Classification: Uncertain significance for SH2B1-related condition. Last evaluated: 2024-03-14. Review status: no assertion criteria provided. Collection method: clinical testing. Allele origin: germline. Not counted in ClinVar's aggregate classification.
Comment: The SH2B1 c.526G>A variant is predicted to result in the amino acid substitution p.Val176Ile. To our knowledge, this variant has not been reported in the literature. This variant is reported in 0.0098% of alleles in individuals of South Asian descent in gnomAD. At this time, the clinical significance of this variant is uncertain due to the absence of conclusive functional and genetic evidence.